The following is an entry in ClinVar:

ClinVar aggregate classification (germline): Uncertain significance (1 of 4 stars; one submission).

Conditions:
Neurodevelopmental disorder with dysmorphic facies and distal limb anomalies. Identifiers: Orphanet 686482, MedGen C4540327, MONDO:0060596, OMIM 617755.

Submission:

Neuberg Centre For Genomic Medicine, NCGM
Classification: Uncertain significance for Neurodevelopmental disorder with dysmorphic facies and distal limb anomalies. Last evaluated: 2023-05-20. Review status: criteria provided, single submitter. Criteria: ACMG Guidelines, 2015. Collection method: clinical testing. Allele origin: germline. Inheritance: Autosomal dominant inheritance. Affected: yes.
Comment: The inframe insertion variant c.6969_6992dup (p.Val2325_Gln2332dup) in the BPTF gene has not been reported previously as a pathogenic variant nor as a benign variant, to our knowledge. This variant is absent in the gnomAD Exomes. This variant p.Val2325_Gln2332dup causes duplication of amino acid Valine at postion 2325 and Glutamine at postion 2332. For these reasons, this variant has been classified as Uncertain Significance.

NM_182641.4(BPTF):c.6969_6992dup (p.Gln2332_Ser2333insValAlaAlaGlnSerGlnProGln)

Gene: BPTF (bromodomain PHD finger transcription factor; plus strand). Cytogenetic location: 17q24.2.
Variant type: Duplication.
Coding change: c.6969_6992dup on transcript NM_182641.4 (MANE Select); coding-DNA positions 6969 to 6992, 24 bases duplicated (CCAAGTTGCAGCACAGTCTCAGCC).
Protein change: p.Gln2332_Ser2333insValAlaAlaGlnSerGlnProGln.
Molecular consequence: inframe insertion.
Genome position (GRCh38, 1-based): chr17:67,945,677-67,945,700, CCAAGTTGCAGCACAGTCTCAGCC duplicated; duplicating any 24 consecutive bases within chr17:67,945,673-67,945,700 gives the same sequence; the c. name uses the placement nearest the transcript's 3' end. VCF-style (leftmost placement, unchanged base first): chr17-67945672-A-AAGCCCCAAGTTGCAGCACAGTCTC. GRCh37 (hg19) VCF-style: chr17-65941788-A-AAGCCCCAAGTTGCAGCACAGTCTC.
Other names: c.7347_7370dup, p.Gln2458_Ser2459insValAlaAlaGlnSerGlnProGln (NM_004459.7).
Identifiers: ClinVar variation 3367128 (VCV003367128.1).
Genomic context (GRCh38, chr17:67,945,672, plus strand): 5'-CAAACAACTGTTTCATCCCATGTCCCTTCTGAAGCACAACCCACCCACGCACAGTCATCC[A>AAGCCCCAAGTTGCAGCACAGTCTC]AGCCCCAAGTTGCAGCACAGTCTCAGCCTCAAAGTAATGTCCAAGGACAGTCTCCTGTTC-3'